The following is an entry in ClinVar:

ClinVar aggregate classification (germline): Likely benign. Review status: criteria provided, multiple submitters, no conflicts (2 of 4 stars). 2 submissions from 2 submitters: Likely benign (2). Last evaluated 2026-03-02.

Conditions:
P3H2-related disorder. Also called: P3H2-related condition.

Allele frequency attached by ClinVar (database versions not stated): ExAC 0.00002; gnomAD 0.00002; gnomAD exomes 0.00002.
gnomAD v4.1: 30 of 1,613,988 alleles (0.0019%); highest among the groups gnomAD compares: Non-Finnish European, 0.0025%; no homozygotes.

Submissions (2):

PreventionGenetics, part of Exact Sciences
Classification: Likely benign for P3H2-related condition. Last evaluated: 2026-03-02. Review status: criteria provided, single submitter. Criteria: ACMG Guidelines, 2015. Collection method: clinical testing. Allele origin: germline.
Comment: This variant is classified as likely benign based on ACMG/AMP sequence variant interpretation guidelines (Richards et al. 2015 PMID: 25741868, with internal and published modifications).

Labcorp Genetics (formerly Invitae), Labcorp
Classification: Likely benign. Last evaluated: 2019-11-28. Review status: criteria provided, single submitter. Criteria: Invitae Variant Classification Sherloc (09022015). Collection method: clinical testing. Allele origin: germline.

NM_018192.4(P3H2):c.604T>C (p.Leu202=)

Gene: P3H2 (prolyl 3-hydroxylase 2; minus strand). Cytogenetic location: 3q28.
Variant type: single nucleotide variant.
Coding change: c.604T>C on transcript NM_018192.4 (MANE Select); coding-DNA position 604, T replaced by C.
Protein change: p.Leu202=; no amino-acid change (leucine 202 retained).
Molecular consequence: synonymous variant.
Genome position (GRCh38, 1-based): chr3:189,995,319, A>G on the plus strand (T>C on the coding strand, the complement: P3H2 is on the minus strand). VCF-style: chr3-189995319-A-G. GRCh37 (hg19) VCF-style: chr3-189713108-A-G.
Other names: c.604T>C (NM_018192.3); c.61T>C, p.Leu21= (NM_001134418.2).
Identifiers: ClinVar variation 1102853 (VCV001102853.8), dbSNP rs750887061, ClinGen allele CA2753299.